The following is an entry in ClinVar:

NM_212482.4(FN1):c.7034A>G (p.Asn2345Ser)

Genes: ATIC (5-aminoimidazole-4-carboxamide ribonucleotide formyltransferase/IMP cyclohydrolase; plus strand), FN1 (fibronectin 1; minus strand). Cytogenetic location: 2q35.
Variant type: single nucleotide variant.
Coding change: c.7034A>G on transcript NM_212482.4 (MANE Select); coding-DNA position 7034, A replaced by G.
Protein change: p.Asn2345Ser; replaces asparagine 2345 with serine.
Molecular consequence: missense variant.
Genome position (GRCh38, 1-based): chr2:215,365,615, T>C on the plus strand (A>G on the coding strand, the complement: FN1 is on the minus strand). VCF-style: chr2-215365615-T-C. GRCh37 (hg19) VCF-style: chr2-216230338-T-C.
Other names: c.6941A>G, p.Asn2314Ser (NM_001306129.2); c.6404A>G, p.Asn2135Ser (NM_001306130.2); c.6398A>G, p.Asn2133Ser (NM_001306131.2); c.6323A>G, p.Asn2108Ser (NM_001306132.2); c.6764A>G, p.Asn2255Ser (NM_001365517.2); c.6761A>G, p.Asn2254Ser (NM_001365518.2); c.6689A>G, p.Asn2230Ser (NM_001365519.2); c.6686A>G, p.Asn2229Ser (NM_001365520.2); and 9 more; short protein forms N2199S, N2229S, N2133S, N2255S, N2134S, N2139S, N2198S, N2223S.
Identifiers: ClinVar variation 1411702 (VCV001411702.8), dbSNP rs767465132, ClinGen allele CA2093670.
Genomic context (GRCh38, chr2:215,365,615, plus strand): 5'-ATCATCTGGCCATTTTCTCCCTGACGGTCCCACTTCTCTCCAATCTTGTAGTTCACACCA[T>C]TGTCATGGCACCATCCTGTAGGGGTGGGGAAAGTCAGGACCAAAAAGTTATTTGTATATT-3'
Protein context (NP_997647.2, residues 2335-2355): RCDSSRWCHD[Asn2345Ser]GVNYKIGEKW

ClinVar aggregate classification (germline): Conflicting classifications of pathogenicity. Review status: criteria provided, conflicting classifications (1 of 4 stars). 3 submissions from 3 submitters: Uncertain significance (1); Likely benign (2). Last evaluated 2025-09-26.

Conditions:
Inborn genetic diseases. Identifiers: MedGen C0950123, MeSH D030342.

Allele frequency attached by ClinVar (database versions not stated): ExAC 0.00001; gnomAD exomes 0.00002 and 0.00004; TOPMed 0.00002; gnomAD 0.00005 and 0.00006.
gnomAD v4.1: 66 of 1,613,876 alleles (0.0041%); highest among the groups gnomAD compares: Non-Finnish European, 0.0053%; no homozygotes.

Submissions (3):

Ambry Genetics
Classification: Likely benign for Inborn genetic diseases. Last evaluated: 2025-09-26. Review status: criteria provided, single submitter. Criteria: Ambry Variant Classification Scheme 2023. Collection method: clinical testing. Allele origin: germline.

Laboratory of Genetics, Children's Clinical University Hospital Latvia
Classification: Likely benign. Last evaluated: 2025-02-16. Review status: criteria provided, single submitter. Criteria: ACMG Guidelines, 2015. Collection method: clinical testing. Allele origin: germline. Affected: yes.

Labcorp Genetics (formerly Invitae), Labcorp
Classification: Uncertain significance. Last evaluated: 2025-02-03. Review status: criteria provided, single submitter. Criteria: Invitae Variant Classification Sherloc (09022015). Collection method: clinical testing. Allele origin: germline.
Comment: This sequence change replaces asparagine, which is neutral and polar, with serine, which is neutral and polar, at codon 2345 of the FN1 protein (p.Asn2345Ser). This variant is present in population databases (rs767465132, gnomAD 0.009%). This variant has not been reported in the literature in individuals affected with FN1-related conditions. ClinVar contains an entry for this variant (Variation ID: 1411702). An algorithm developed to predict the effect of missense changes on protein structure and function (PolyPhen-2) suggests that this variant is likely to be disruptive. In summary, the available evidence is currently insufficient to determine the role of this variant in disease. Therefore, it has been classified as a Variant of Uncertain Significance.